The following is an entry in ClinVar:

NM_000053.4(ATP7B):c.893A>G (p.Gln298Arg)

Gene: ATP7B (ATPase copper transporting beta; minus strand). Cytogenetic location: 13q14.3.
Variant type: single nucleotide variant.
Coding change: c.893A>G on transcript NM_000053.4 (MANE Select); coding-DNA position 893, A replaced by G.
Protein change: p.Gln298Arg; replaces glutamine 298 with arginine.
Molecular consequence: missense variant. On other transcripts: intron variant (2).
Genome position (GRCh38, 1-based): chr13:51,974,327, T>C on the plus strand (A>G on the coding strand, the complement: ATP7B is on the minus strand). VCF-style: chr13-51974327-T-C. GRCh37 (hg19) VCF-style: chr13-52548463-T-C.
Other names: c.893A>G, p.Gln298Arg (NM_001406520.1, NM_001406521.1, NM_001406522.1 and 29 more transcripts); c.797A>G, p.Gln266Arg (NM_001406517.1, NM_001406518.1, NM_001406530.1 and 3 more transcripts); c.802+91A>G (NM_001243182.2); c.706+91A>G (NM_001406539.1); short protein forms Q266R, Q298R.
Identifiers: ClinVar variation 5032371 (VCV005032371.1).

ClinVar aggregate classification (germline): Uncertain significance (1 of 4 stars; one submission).

Conditions:
Inborn genetic diseases. Identifiers: MedGen C0950123, MeSH D030342.

gnomAD v4.1: 4 of 1,614,116 alleles (0.00025%); highest among the groups gnomAD compares: East Asian, 0.0045%; no homozygotes.

Submission:

Ambry Genetics
Classification: Uncertain significance for Inborn genetic diseases. Last evaluated: 2026-07-01. Review status: criteria provided, single submitter. Criteria: Ambry Variant Classification Scheme 2023. Collection method: clinical testing. Allele origin: germline.
Comment: The p.Q298R variant (also known as c.893A>G), located in coding exon 2 of the ATP7B gene, results from an A to G substitution at nucleotide position 893. The glutamine at codon 298 is replaced by arginine, an amino acid with highly similar properties. This amino acid position is conserved. In addition, this alteration is predicted to be tolerated by in silico analysis. Based on the available evidence, the clinical significance of this variant remains unclear.